The following is an entry in ClinVar:

ClinVar aggregate classification (germline): Uncertain significance. Review status: criteria provided, multiple submitters, no conflicts (2 of 4 stars). 2 submissions from 2 submitters: Uncertain significance (2). Last evaluated 2024-09-15.

Conditions:
Epidermolysis bullosa simplex 5B, with muscular dystrophy (EBS5B). Also called: Epidermolysis bullosa simplex with muscular dystrophy; EPIDERMOLYSIS BULLOSA SIMPLEX AND LIMB-GIRDLE MUSCULAR DYSTROPHY. Identifiers: Orphanet 257, MedGen C2931072, MONDO:0009181, OMIM 226670.
Epidermolysis bullosa simplex, Ogna type (EBS5A). Also called: Pidermolysis bullosa simplex 5A, Ogna type; EPIDERMOLYSIS BULLOSA SIMPLEX 5A, OGNA TYPE. Identifiers: Orphanet 79401, MedGen C0432317, MONDO:0007555, OMIM 131950.
Autosomal recessive limb-girdle muscular dystrophy type 2Q (LGMDR17). Also called: MUSCULAR DYSTROPHY, LIMB-GIRDLE, AUTOSOMAL RECESSIVE 17. Identifiers: Orphanet 254361, MedGen C3150989, MONDO:0013390, OMIM 613723.
Epidermolysis bullosa simplex with nail dystrophy (EBS5D). Identifiers: MedGen C4225309, MONDO:0014661, OMIM 616487.
Epidermolysis bullosa simplex 5C, with pyloric atresia (EBS5C). Also called: Epidermolysis bullosa simplex with pyloric atresia; PLEC-Related Epidermolysis Bullosa with Pyloric Atresia; PLEC1-Related Epidermolysis Bullosa with Pyloric Atresia. Identifiers: Orphanet 158684, MedGen C2677349, MONDO:0012807, OMIM 612138.

Allele frequency attached by ClinVar (database versions not stated): gnomAD 0.00001; gnomAD exomes 0.00002 and 0.00004; TOPMed 0.00002.
gnomAD v4.1: 52 of 1,569,814 alleles (0.0033%); highest among the groups gnomAD compares: Non-Finnish European, 0.0044%; no homozygotes.

Submissions (2):

Labcorp Genetics (formerly Invitae), Labcorp
Classification: Uncertain significance for Autosomal recessive limb-girdle muscular dystrophy type 2Q; Epidermolysis bullosa simplex, Ogna type; Epidermolysis bullosa simplex with nail dystrophy; Epidermolysis bullosa simplex 5C, with pyloric atresia; Epidermolysis bullosa simplex 5B, with muscular dystrophy. Last evaluated: 2024-09-15. Review status: criteria provided, single submitter. Criteria: Invitae Variant Classification Sherloc (09022015). Collection method: clinical testing. Allele origin: germline.
Comment: This sequence change replaces alanine, which is neutral and non-polar, with valine, which is neutral and non-polar, at codon 3832 of the PLEC protein (p.Ala3832Val). The frequency data for this variant in the population databases is considered unreliable, as metrics indicate poor data quality at this position in the gnomAD database. This variant has not been reported in the literature in individuals affected with PLEC-related conditions. ClinVar contains an entry for this variant (Variation ID: 958264). An algorithm developed to predict the effect of missense changes on protein structure and function (PolyPhen-2) suggests that this variant is likely to be disruptive. In summary, the available evidence is currently insufficient to determine the role of this variant in disease. Therefore, it has been classified as a Variant of Uncertain Significance.

Revvity Omics, Revvity
Classification: Uncertain significance. Last evaluated: 2019-07-29. Review status: criteria provided, single submitter. Criteria: ACMG Guidelines, 2015. Collection method: clinical testing. Allele origin: germline.

NM_201384.3(PLEC):c.11414C>T (p.Ala3805Val)

Gene: PLEC (plectin; minus strand). Cytogenetic location: 8q24.3.
Variant type: single nucleotide variant.
Coding change: c.11414C>T on transcript NM_201384.3 (MANE Select); coding-DNA position 11414, C replaced by T.
Protein change: p.Ala3805Val; replaces alanine 3805 with valine.
Molecular consequence: missense variant.
Genome position (GRCh38, 1-based): chr8:143,918,407, G>A on the plus strand (C>T on the coding strand, the complement: PLEC is on the minus strand). VCF-style: chr8-143918407-G-A. GRCh37 (hg19) VCF-style: chr8-144992575-G-A.
Other names: c.11495C>T, p.Ala3832Val (NM_000445.5); c.11372C>T, p.Ala3791Val (NM_201378.4); c.11348C>T, p.Ala3783Val (NM_201379.3); c.11825C>T, p.Ala3942Val (NM_201380.4); c.11318C>T, p.Ala3773Val (NM_201381.3); c.11414C>T, p.Ala3805Val (NM_201382.4); c.11426C>T, p.Ala3809Val (NM_201383.3); short protein forms A3805V, A3832V, A3791V, A3809V, A3942V, A3773V, A3783V.
Identifiers: ClinVar variation 958264 (VCV000958264.12), dbSNP rs1025558613, ClinGen allele CA187607513.